The following is an entry in ClinVar:

NM_005476.7(GNE):c.1220dup (p.Ser408fs)

Gene: GNE (glucosamine (UDP-N-acetyl)-2-epimerase/N-acetylmannosamine kinase; minus strand). Cytogenetic location: 9p13.3.
Variant type: Duplication.
Coding change: c.1220dup on transcript NM_005476.7 (MANE Select); coding-DNA position 1220, one base duplicated (T; older notation c.1220dupT).
Protein change: p.Ser408fs; shifts the reading frame from serine 408.
Molecular consequence: frameshift variant.
Genome position (GRCh38, 1-based): chr9:36,227,309, A duplicated on the plus strand (T on the coding strand, the reverse complement: GNE is on the minus strand). VCF-style (leftmost placement, unchanged base first): chr9-36227308-T-TA. GRCh37 (hg19) VCF-style: chr9-36227305-T-TA.
Other names: c.1220dup, p.Ser408fs (NM_001190383.3); c.890dup, p.Ser298fs (NM_001190384.3); c.1043dup, p.Ser349fs (NM_001190388.2, NM_001374798.1); c.1067dup, p.Ser357fs (NM_001374797.1); c.1313dup (NM_001128227.2); c.1313dup, p.Ser439fs (NM_001128227.3); short protein forms S298fs, S349fs, S357fs, S408fs, S439fs.
Identifiers: ClinVar variation 1323024 (VCV001323024.10), dbSNP rs2133041569, ClinGen allele CA2573053178.

ClinVar aggregate classification (germline): Pathogenic. Review status: criteria provided, multiple submitters, no conflicts (2 of 4 stars). 3 submissions from 3 submitters: Pathogenic (3). Last evaluated 2023-04-08.

Conditions:
GNE myopathy (NM). Also called: INCLUSION BODY MYOPATHY 2, AUTOSOMAL RECESSIVE; IBM 2; Inclusion body myopathy autosomal recessive; Inclusion body myopathy quadriceps sparing; NONAKA DISTAL MYOPATHY; INCLUSION BODY MYOPATHY, HEREDITARY, AUTOSOMAL RECESSIVE. Identifiers: Orphanet 602, MedGen C1853926, MONDO:0011603, OMIM 605820.
Sialuria. Also called: Sialic Acid Storage Disease; SIALURIA, FRENCH TYPE. Identifiers: Orphanet 3166, MedGen C0342853, MONDO:0010028, OMIM 269921.

Allele frequency attached by ClinVar (database versions not stated): gnomAD exomes below 0.00001.

Submissions (3):

Baylor Genetics
Classification: Pathogenic for GNE myopathy. Last evaluated: 2023-04-08. Review status: criteria provided, single submitter. Criteria: ACMG Guidelines, 2015. Collection method: clinical testing. Allele origin: unknown.

Labcorp Genetics (formerly Invitae), Labcorp
Classification: Pathogenic for Sialuria; GNE myopathy. Last evaluated: 2021-10-28. Review status: criteria provided, single submitter. Criteria: Invitae Variant Classification Sherloc (09022015). Collection method: clinical testing. Allele origin: germline.
Comment: This sequence change creates a premature translational stop signal (p.Ser439Lysfs*6) in the GNE gene. It is expected to result in an absent or disrupted protein product. Loss-of-function variants in GNE are known to be pathogenic (PMID: 24027297). For these reasons, this variant has been classified as Pathogenic. This premature translational stop signal has been observed in individual(s) with autosomal recessive GNE myopathy (PMID: 24695763). This variant is not present in population databases (gnomAD no frequency).

Revvity Omics, Revvity
Classification: Pathogenic. Last evaluated: 2020-12-11. Review status: criteria provided, single submitter. Criteria: ACMG Guidelines, 2015. Collection method: clinical testing. Allele origin: germline.

Literature cited by the submitters: PubMed 24027297 (cited by Labcorp Genetics (formerly Invitae), Labcorp); PubMed 24695763 (cited by Labcorp Genetics (formerly Invitae), Labcorp).